The following is an entry in ClinVar:

ClinVar aggregate classification (germline): Uncertain significance (1 of 4 stars; one submission).

Conditions:
Kabuki syndrome 1 (KABUK1). Also called: KMT2D-Related Kabuki Syndrome. Identifiers: Orphanet 2322, MedGen CN030661, MONDO:0007843, OMIM 147920.

Submission:

3billion
Classification: Uncertain significance for Kabuki syndrome 1. Last evaluated: 2025-01-23. Review status: criteria provided, single submitter. Criteria: ACMG Guidelines, 2015. Collection method: clinical testing. Allele origin: germline. Affected: yes.
Comment: The variant is not observed in the gnomAD v4.1.0 dataset. Predicted Consequence/Location: Missense variant In silico tool predictions suggest damaging effect of the variant on gene or gene product [REVEL: 0.67 (>=0.6, sensitivity 0.68 and specificity 0.92)]. Therefore, this variant is classified as VUS according to the recommendation of ACMG/AMP guideline.

NM_003482.4(KMT2D):c.4220A>T (p.Tyr1407Phe)

Gene: KMT2D (lysine methyltransferase 2D; minus strand). Cytogenetic location: 12q13.12.
Variant type: single nucleotide variant.
Coding change: c.4220A>T on transcript NM_003482.4 (MANE Select); coding-DNA position 4220, A replaced by T.
Protein change: p.Tyr1407Phe; replaces tyrosine 1407 with phenylalanine.
Molecular consequence: missense variant.
Genome position (GRCh38, 1-based): chr12:49,047,981, T>A on the plus strand (A>T on the coding strand, the complement: KMT2D is on the minus strand). VCF-style: chr12-49047981-T-A. GRCh37 (hg19) VCF-style: chr12-49441764-T-A.
Other names: short protein forms Y1407F.
Identifiers: ClinVar variation 4292617 (VCV004292617.1).